The following is an entry in ClinVar:

NM_004385.5(VCAN):c.8285A>G (p.Gln2762Arg)

Genes: VCAN (versican; plus strand), VCAN-AS1 (VCAN antisense RNA 1; minus strand). Cytogenetic location: 5q14.3.
Variant type: single nucleotide variant.
Coding change: c.8285A>G on transcript NM_004385.5 (MANE Select); coding-DNA position 8285, A replaced by G.
Protein change: p.Gln2762Arg; replaces glutamine 2762 with arginine.
Molecular consequence: missense variant. On other transcripts: intron variant (2).
Genome position (GRCh38, 1-based): chr5:83,541,288, A>G. VCF-style: chr5-83541288-A-G. GRCh37 (hg19) VCF-style: chr5-82837107-A-G.
Other names: c.5324A>G, p.Gln1775Arg (NM_001164097.2); c.4004-4249A>G (NM_001164098.2); c.1043-4249A>G (NM_001126336.3); short protein forms Q2762R, Q1775R.
Identifiers: ClinVar variation 1507014 (VCV001507014.8), dbSNP rs2112449508, ClinGen allele CA360316589.

ClinVar aggregate classification (germline): Uncertain significance (1 of 4 stars; one submission).

Submission:

Labcorp Genetics (formerly Invitae), Labcorp
Classification: Uncertain significance. Last evaluated: 2022-07-06. Review status: criteria provided, single submitter. Criteria: Invitae Variant Classification Sherloc (09022015). Collection method: clinical testing. Allele origin: germline.
Comment: In summary, the available evidence is currently insufficient to determine the role of this variant in disease. Therefore, it has been classified as a Variant of Uncertain Significance. Algorithms developed to predict the effect of missense changes on protein structure and function are either unavailable or do not agree on the potential impact of this missense change (SIFT: "Deleterious"; PolyPhen-2: "Benign"; Align-GVGD: "Class C35"). ClinVar contains an entry for this variant (Variation ID: 1507014). This variant has not been reported in the literature in individuals affected with VCAN-related conditions. This variant is not present in population databases (gnomAD no frequency). This sequence change replaces glutamine, which is neutral and polar, with arginine, which is basic and polar, at codon 2762 of the VCAN protein (p.Gln2762Arg).